The following is an entry in ClinVar:

ClinVar aggregate classification (germline): Uncertain significance. Review status: criteria provided, multiple submitters, no conflicts (2 of 4 stars). 2 submissions from 2 submitters: Uncertain significance (2). Last evaluated 2025-06-09.

Conditions:
Mosaic variegated aneuploidy syndrome 2 (MVA2). Identifiers: Orphanet 1052, MedGen C3279843, MONDO:0013582, OMIM 614114.
Inborn genetic diseases. Identifiers: MedGen C0950123, MeSH D030342.

Allele frequency attached by ClinVar (database versions not stated): gnomAD exomes 0.00001 and 0.00002; ExAC 0.00003; gnomAD 0.00004 and 0.00006; TOPMed 0.00006; 1000 Genomes Project 30x 0.00062; 1000 Genomes Project 0.00080.
gnomAD v4.1: 16 of 1,614,112 alleles (0.00099%); highest among the groups gnomAD compares: African/African-American, 0.016%; no homozygotes.

Submissions (2):

Labcorp Genetics (formerly Invitae), Labcorp
Classification: Uncertain significance for Mosaic variegated aneuploidy syndrome 2. Last evaluated: 2025-06-09. Review status: criteria provided, single submitter. Criteria: Invitae Variant Classification Sherloc (09022015). Collection method: clinical testing. Allele origin: germline.
Comment: This sequence change replaces leucine, which is neutral and non-polar, with arginine, which is basic and polar, at codon 309 of the CEP57 protein (p.Leu309Arg). This variant is present in population databases (rs567427808, gnomAD 0.02%). This variant has not been reported in the literature in individuals affected with CEP57-related conditions. ClinVar contains an entry for this variant (Variation ID: 539591). Invitae Evidence Modeling of protein sequence and biophysical properties (such as structural, functional, and spatial information, amino acid conservation, physicochemical variation, residue mobility, and thermodynamic stability) indicates that this missense variant is not expected to disrupt CEP57 protein function with a negative predictive value of 80%. In summary, the available evidence is currently insufficient to determine the role of this variant in disease. Therefore, it has been classified as a Variant of Uncertain Significance.

Ambry Genetics
Classification: Uncertain significance for Inborn genetic diseases. Last evaluated: 2024-10-04. Review status: criteria provided, single submitter. Criteria: Ambry Variant Classification Scheme 2023. Collection method: clinical testing. Allele origin: germline.
Comment: The p.L309R variant (also known as c.926T>G), located in coding exon 9 of the CEP57 gene, results from a T to G substitution at nucleotide position 926. The leucine at codon 309 is replaced by arginine, an amino acid with dissimilar properties. This amino acid position is conserved. In addition, this alteration is predicted to be tolerated by in silico analysis. Based on the available evidence, the clinical significance of this variant remains unclear.

NM_014679.5(CEP57):c.926T>G (p.Leu309Arg)

Gene: CEP57 (centrosomal protein 57; plus strand). Cytogenetic location: 11q21.
Variant type: single nucleotide variant.
Coding change: c.926T>G on transcript NM_014679.5 (MANE Select); coding-DNA position 926, T replaced by G.
Protein change: p.Leu309Arg; replaces leucine 309 with arginine.
Molecular consequence: missense variant.
Genome position (GRCh38, 1-based): chr11:95,827,826, T>G. VCF-style: chr11-95827826-T-G. GRCh37 (hg19) VCF-style: chr11-95560990-T-G.
Other names: c.899T>G, p.Leu300Arg (NM_001243776.2); c.848T>G, p.Leu283Arg (NM_001243777.2); c.845T>G, p.Leu282Arg (NM_001363604.2); short protein forms L309R, L282R, L283R, L300R.
Identifiers: ClinVar variation 539591 (VCV000539591.10), dbSNP rs567427808, ClinGen allele CA6239651.
Genomic context (GRCh38, chr11:95,827,826, plus strand): 5'-CATCATTTTTCTTCCTTTAGTCCACAAGCCCTAGCCATGCCGTGGTAGCCAATGTTCAGC[T>G]TGTCTTGCATCTAATGAAGCAACACAGTAAAGCTTTGTGCAATGATCGAGTCATCAACAG-3'
Protein context (NP_055494.2, residues 299-319): PSHAVVANVQ[Leu309Arg]VLHLMKQHSK